The following is an entry in ClinVar:

NM_013382.7(POMT2):c.1891+2T>C

Gene: POMT2 (protein O-mannosyltransferase 2; minus strand). Cytogenetic location: 14q24.3.
Variant type: single nucleotide variant.
Coding change: c.1891+2T>C on transcript NM_013382.7 (MANE Select); the canonical splice donor site of the intron after coding-DNA position 1891, T replaced by C.
Molecular consequence: splice donor variant.
Genome position (GRCh38, 1-based): chr14:77,279,821, A>G on the plus strand (T>C on the coding strand, the complement: POMT2 is on the minus strand). VCF-style: chr14-77279821-A-G. GRCh37 (hg19) VCF-style: chr14-77746164-A-G.
Identifiers: ClinVar variation 1471037 (VCV001471037.8), dbSNP rs1594884932, ClinGen allele CA390514397.
Genomic context (GRCh38, chr14:77,279,821, plus strand): 5'-CCCAGGGGTGCAGGTGCCCTGCTGCCGCCAGGTCAGGGGAGGGAGAGCCCAGAGGACCTG[A>G]CCTGCAACCTCCGCTGGCAGCCGTGCCCCTCTCTGCATGGCTACAGCAATGATGCTCCCT-3'

ClinVar aggregate classification (germline): Likely pathogenic (1 of 4 stars; one submission).

Conditions:
Muscular dystrophy-dystroglycanopathy (congenital with impaired intellectual development), type B, 2. Also called: Muscular dystrophy-dystroglycanopathy (congenital with intellectual disability), type B2; MUSCULAR DYSTROPHY, CONGENITAL, POMT2-RELATED. Identifiers: MedGen C3150416, MONDO:0013160, OMIM 613156.
Autosomal recessive limb-girdle muscular dystrophy type 2N. Also called: MUSCULAR DYSTROPHY-DYSTROGLYCANOPATHY, LIMB-GIRDLE, POMT2-RELATED; Muscular dystrophy-dystroglycanopathy (limb-girdle), type C, 2. Identifiers: Orphanet 206559, MedGen C3150418, MONDO:0013162, OMIM 613158.
Muscular dystrophy-dystroglycanopathy (congenital with brain and eye anomalies), type A2. Also called: MUSCULAR DYSTROPHY-DYSTROGLYCANOPATHY (CONGENITAL WITH BRAIN AND EYE ANOMALIES), TYPE A, 2; WALKER-WARBURG SYNDROME OR MUSCLE-EYE-BRAIN DISEASE, POMT2-RELATED. Identifiers: Orphanet 588, Orphanet 899, MedGen C3150411, MONDO:0013154, OMIM 613150.

Allele frequency attached by ClinVar (database versions not stated): gnomAD exomes 0.00001.
gnomAD v4.1: 5 of 1,612,710 alleles (0.00031%); highest among the groups gnomAD compares: South Asian, 0.0055%; no homozygotes.

Submission:

Labcorp Genetics (formerly Invitae), Labcorp
Classification: Likely pathogenic for Muscular dystrophy-dystroglycanopathy (congenital with impaired intellectual development), type B, 2; Muscular dystrophy-dystroglycanopathy (congenital with brain and eye anomalies), type A2; Autosomal recessive limb-girdle muscular dystrophy type 2N. Last evaluated: 2022-12-02. Review status: criteria provided, single submitter. Criteria: Invitae Variant Classification Sherloc (09022015). Collection method: clinical testing. Allele origin: germline.
Comment: In summary, the currently available evidence indicates that the variant is pathogenic, but additional data are needed to prove that conclusively. Therefore, this variant has been classified as Likely Pathogenic. Algorithms developed to predict the effect of sequence changes on RNA splicing suggest that this variant may disrupt the consensus splice site. ClinVar contains an entry for this variant (Variation ID: 1471037). This variant has not been reported in the literature in individuals affected with POMT2-related conditions. This variant is not present in population databases (gnomAD no frequency). This sequence change affects a donor splice site in intron 18 of the POMT2 gene. It is expected to disrupt RNA splicing. Variants that disrupt the donor or acceptor splice site typically lead to a loss of protein function (PMID: 16199547), and loss-of-function variants in POMT2 are known to be pathogenic (PMID: 15894594).

Literature cited by the submitters: PubMed 16199547; PubMed 15894594.